The following is an entry in ClinVar:

ClinVar aggregate classification (germline): Benign/Likely benign. Review status: criteria provided, multiple submitters, no conflicts (2 of 4 stars). 2 submissions from 2 submitters: Benign (1); Likely benign (1). Last evaluated 2026-01-05.

Conditions:
Chédiak-Higashi syndrome (CHS). Also called: Chediak-Higashi Syndrome. Identifiers: Orphanet 167, MedGen C0007965, MONDO:0008963, OMIM 214500.

Submissions (2):

Labcorp Genetics (formerly Invitae), Labcorp
Classification: Benign for Chédiak-Higashi syndrome. Last evaluated: 2026-01-05. Review status: criteria provided, single submitter. Criteria: Invitae Variant Classification Sherloc (09022015). Collection method: clinical testing. Allele origin: germline.

Mayo Clinic Laboratories, Mayo Clinic
Classification: Likely benign. Last evaluated: 2025-07-29. Review status: criteria provided, single submitter. Criteria: ACMG Guidelines, 2015. Collection method: clinical testing. Allele origin: germline. Observed: 1 variant allele.
Comment: BS1, BP4, BP7

NM_000081.4(LYST):c.5923-11dup

Gene: LYST (lysosomal trafficking regulator; minus strand). Cytogenetic location: 1q42.3.
Variant type: Duplication.
Coding change: c.5923-11dup on transcript NM_000081.4 (MANE Select); 11 bases into the intron before coding-DNA position 5923, one base duplicated (T; older notation c.5923-11dupT).
Molecular consequence: intron variant.
Genome position (GRCh38, 1-based): chr1:235,766,288, A duplicated on the plus strand (T on the coding strand, the reverse complement: LYST is on the minus strand); the first of 8 consecutive A bases (chr1:235,766,288-235,766,295); duplicating any one gives the same sequence. VCF-style (leftmost placement, unchanged base first): chr1-235766287-T-TA. GRCh37 (hg19) VCF-style: chr1-235929587-T-TA.
Other names: p.?; c.5923-11dup (NM_001301365.1).
Identifiers: ClinVar variation 1599320 (VCV001599320.9), dbSNP rs752446158, ClinGen allele CA1466486.